The following is an entry in ClinVar:

ClinVar aggregate classification (germline): Uncertain significance (1 of 4 stars; one submission).

Submission:

Labcorp Genetics (formerly Invitae), Labcorp
Classification: Uncertain significance. Last evaluated: 2024-05-16. Review status: criteria provided, single submitter. Criteria: Invitae Variant Classification Sherloc (09022015). Collection method: clinical testing. Allele origin: germline.
Comment: This sequence change replaces glutamic acid, which is acidic and polar, with glycine, which is neutral and non-polar, at codon 417 of the GEN1 protein (p.Glu417Gly). This variant is not present in population databases (gnomAD no frequency). This variant has not been reported in the literature in individuals affected with GEN1-related conditions. An algorithm developed to predict the effect of missense changes on protein structure and function (PolyPhen-2) suggests that this variant is likely to be disruptive. In summary, the available evidence is currently insufficient to determine the role of this variant in disease. Therefore, it has been classified as a Variant of Uncertain Significance.

NM_001130009.3(GEN1):c.1250A>G (p.Glu417Gly)

Gene: GEN1 (GEN1 structure-specific endonuclease; plus strand). Cytogenetic location: 2p24.2.
Variant type: single nucleotide variant.
Coding change: c.1250A>G on transcript NM_001130009.3 (MANE Select); coding-DNA position 1250, A replaced by G.
Protein change: p.Glu417Gly; replaces glutamic acid 417 with glycine.
Molecular consequence: missense variant.
Genome position (GRCh38, 1-based): chr2:17,778,049, A>G. VCF-style: chr2-17778049-A-G. GRCh37 (hg19) VCF-style: chr2-17959316-A-G.
Other names: c.1250A>G, p.Glu417Gly (NM_182625.5); short protein forms E417G.
Identifiers: ClinVar variation 3676379 (VCV003676379.2).